The following is an entry in ClinVar:

NM_001105206.3(LAMA4):c.3217A>T (p.Thr1073Ser)

Gene: LAMA4 (laminin subunit alpha 4; minus strand). Cytogenetic location: 6q21.
Variant type: single nucleotide variant.
Coding change: c.3217A>T on transcript NM_001105206.3 (MANE Select); coding-DNA position 3217, A replaced by T.
Protein change: p.Thr1073Ser; replaces threonine 1073 with serine.
Molecular consequence: missense variant.
Genome position (GRCh38, 1-based): chr6:112,139,185, T>A on the plus strand (A>T on the coding strand, the complement: LAMA4 is on the minus strand). VCF-style: chr6-112139185-T-A. GRCh37 (hg19) VCF-style: chr6-112460387-T-A.
Other names: c.3196A>T, p.Thr1066Ser (NM_001105207.3, NM_002290.5); short protein forms T1073S, T1066S.
Identifiers: ClinVar variation 1728715 (VCV001728715.2), dbSNP rs2547019268, ClinGen allele CA365378938.

ClinVar aggregate classification (germline): Uncertain significance (1 of 4 stars; one submission).

Conditions:
Cardiovascular phenotype. Identifiers: MedGen CN230736.

Submission:

Ambry Genetics
Classification: Uncertain significance for Cardiovascular phenotype. Last evaluated: 2022-03-30. Review status: criteria provided, single submitter. Criteria: Ambry Variant Classification Scheme 2023. Collection method: clinical testing. Allele origin: germline.
Comment: The p.T1066S variant (also known as c.3196A>T), located in coding exon 23 of the LAMA4 gene, results from an A to T substitution at nucleotide position 3196. The threonine at codon 1066 is replaced by serine, an amino acid with similar properties. This amino acid position is conserved. In addition, the in silico prediction for this alteration is inconclusive. Since supporting evidence is limited at this time, the clinical significance of this alteration remains unclear.